The following is an entry in ClinVar:

ClinVar aggregate classification (germline): Uncertain significance (1 of 4 stars; one submission).

Conditions:
ERCC4-related disorder. Also called: ERCC4-related condition.

gnomAD v4.1: 23 of 1,614,082 alleles (0.0014%); highest among the groups gnomAD compares: African/African-American, 0.004%; no homozygotes.

Submission:

PreventionGenetics, part of Exact Sciences
Classification: Uncertain significance for ERCC4-related condition. Last evaluated: 2025-01-07. Review status: criteria provided, single submitter. Criteria: ACMG Guidelines, 2015. Collection method: clinical testing. Allele origin: germline.
Comment: The ERCC4 c.2240C>G variant is predicted to result in the amino acid substitution p.Ser747Cys. To our knowledge, this variant has not been reported in the literature or in a large population database (gnomAD), indicating this variant is rare. At this time, the clinical significance of this variant is uncertain due to the absence of conclusive functional and genetic evidence.

NM_005236.3(ERCC4):c.2240C>G (p.Ser747Cys)

Gene: ERCC4 (ERCC excision repair 4, endonuclease catalytic subunit; plus strand). Cytogenetic location: 16p13.12.
Variant type: single nucleotide variant.
Coding change: c.2240C>G on transcript NM_005236.3 (MANE Select); coding-DNA position 2240, C replaced by G.
Protein change: p.Ser747Cys; replaces serine 747 with cysteine.
Molecular consequence: missense variant.
Genome position (GRCh38, 1-based): chr16:13,947,836, C>G. VCF-style: chr16-13947836-C-G. GRCh37 (hg19) VCF-style: chr16-14041693-C-G.
Other names: short protein forms S747C.
Identifiers: ClinVar variation 4977960 (VCV004977960.1).